The following is an entry in ClinVar:

ClinVar aggregate classification (germline): Uncertain significance (1 of 4 stars; one submission).

Conditions:
Focal segmental glomerulosclerosis 5 (FSGS5). Identifiers: Orphanet 656, MedGen C2750475, MONDO:0013191, OMIM 613237.
Charcot-Marie-Tooth disease dominant intermediate E. Also called: CHARCOT-MARIE-TOOTH NEUROPATHY WITH FOCAL SEGMENTAL GLOMERULONEPHRITIS. Identifiers: Orphanet 93114, MedGen C4302667, MONDO:0013758, OMIM 614455.

Submission:

Labcorp Genetics (formerly Invitae), Labcorp
Classification: Uncertain significance for Charcot-Marie-Tooth disease dominant intermediate E; Focal segmental glomerulosclerosis 5. Last evaluated: 2025-03-09. Review status: criteria provided, single submitter. Criteria: Invitae Variant Classification Sherloc (09022015). Collection method: clinical testing. Allele origin: germline.
Comment: This sequence change replaces serine, which is neutral and polar, with threonine, which is neutral and polar, at codon 367 of the INF2 protein (p.Ser367Thr). This variant is not present in population databases (gnomAD no frequency). This variant has not been reported in the literature in individuals affected with INF2-related conditions. Invitae Evidence Modeling of protein sequence and biophysical properties (such as structural, functional, and spatial information, amino acid conservation, physicochemical variation, residue mobility, and thermodynamic stability) indicates that this missense variant is not expected to disrupt INF2 protein function with a negative predictive value of 95%. In summary, the available evidence is currently insufficient to determine the role of this variant in disease. Therefore, it has been classified as a Variant of Uncertain Significance.

NM_022489.4(INF2):c.1100G>C (p.Ser367Thr)

Gene: INF2 (inverted formin 2; plus strand). Cytogenetic location: 14q32.33.
Variant type: single nucleotide variant.
Coding change: c.1100G>C on transcript NM_022489.4 (MANE Select); coding-DNA position 1100, G replaced by C.
Protein change: p.Ser367Thr; replaces serine 367 with threonine.
Molecular consequence: missense variant. On other transcripts: non-coding transcript variant (1).
Genome position (GRCh38, 1-based): chr14:104,707,367, G>C. VCF-style: chr14-104707367-G-C. GRCh37 (hg19) VCF-style: chr14-105173704-G-C.
Other names: c.1100G>C, p.Ser367Thr (NM_001031714.4, NM_001426862.1, NM_001426863.1 and 2 more transcripts); short protein forms S367T.
Identifiers: ClinVar variation 4789553 (VCV004789553.1).